The following is an entry in ClinVar:

NM_003242.6(TGFBR2):c.678C>T (p.Asp226=)

Gene: TGFBR2 (transforming growth factor beta receptor 2; plus strand). Cytogenetic location: 3p24.1.
Variant type: single nucleotide variant.
Coding change: c.678C>T on transcript NM_003242.6 (MANE Select); coding-DNA position 678, C replaced by T.
Protein change: p.Asp226=; no amino-acid change (aspartic acid 226 retained).
Molecular consequence: synonymous variant. On other transcripts: intron variant (1).
Genome position (GRCh38, 1-based): chr3:30,671,861, C>T. VCF-style: chr3-30671861-C-T. GRCh37 (hg19) VCF-style: chr3-30713353-C-T.
Other names: c.753C>T, p.Asp251= (NM_001024847.3); c.861C>T, p.Asp287= (NM_001407126.1); c.786C>T, p.Asp262= (NM_001407127.1); c.705C>T, p.Asp235= (NM_001407128.1); c.681C>T, p.Asp227= (NM_001407129.1); c.678C>T, p.Asp226= (NM_001407130.1); c.573C>T, p.Asp191= (NM_001407132.1, NM_001407133.1, NM_001407134.1 and 2 more transcripts); c.393C>T, p.Asp131= (NM_001407137.1); and 2 more.
Identifiers: ClinVar variation 263936 (VCV000263936.21), dbSNP rs147111149, ClinGen allele CA049663.

ClinVar aggregate classification (germline): Likely benign. Review status: criteria provided, multiple submitters, no conflicts (2 of 4 stars). 5 submissions from 5 submitters: Likely benign (4). 1 of the submissions does not count toward it. Last evaluated 2025-10-29.

Conditions:
Loeys-Dietz syndrome 2 (LDS2). Also called: TGFBR2-Related Loeys-Dietz Syndrome; Marfan syndrome, type 2 (formerly); AORTIC ANEURYSM, FAMILIAL THORACIC 3; MARFAN SYNDROME, TYPE II; Marfan Syndrome type 2; Marfan like connective tissue disorder. Identifiers: Orphanet 284973, Orphanet 558, MedGen C2674574, MONDO:0012427, OMIM 610168.
TGFBR2-related disorder. Also called: TGFBR2-related condition.
Familial thoracic aortic aneurysm and aortic dissection (TAAD). Also called: Thoracic aortic aneurysms and dissections. Identifiers: Orphanet 91387, MedGen C4707243, MONDO:0019625.

Allele frequency attached by ClinVar (database versions not stated): gnomAD exomes 0.00002 and 0.00003; ExAC 0.00005; gnomAD 0.00016 and 0.00019; TOPMed 0.00021; ESP Exome Variant Server 0.00023.
gnomAD v4.1: 56 of 1,614,126 alleles (0.0035%); highest among the groups gnomAD compares: African/African-American, 0.065%; no homozygotes.

Submissions (5):

Labcorp Genetics (formerly Invitae), Labcorp
Classification: Likely benign for Familial thoracic aortic aneurysm and aortic dissection. Last evaluated: 2025-10-29. Review status: criteria provided, single submitter. Criteria: Invitae Variant Classification Sherloc (09022015). Collection method: clinical testing. Allele origin: germline.

All of Us Research Program, National Institutes of Health
Classification: Likely benign for Loeys-Dietz syndrome 2. Last evaluated: 2024-02-05. Review status: criteria provided, single submitter. Criteria: ACMG Guidelines, 2015. Collection method: clinical testing. Allele origin: germline. Inheritance: Autosomal dominant inheritance. Observed: 7 variant alleles, 7 heterozygotes.
Comment: This study involves interpretation of variants in research participants for the purpose of population health screening. Participant phenotype was not available at the time of variant classification. Additional details can be found in publication PMID: 35346344, PMCID: PMC8962531

Color Diagnostics, LLC DBA Color Health
Classification: Likely benign for Familial thoracic aortic aneurysm and aortic dissection. Last evaluated: 2019-06-26. Review status: criteria provided, single submitter. Criteria: ACMG Guidelines, 2015. Collection method: clinical testing. Allele origin: germline.

Ambry Genetics
Classification: Likely benign for Familial thoracic aortic aneurysm and aortic dissection. Last evaluated: 2015-03-26. Review status: criteria provided, single submitter. Criteria: Ambry Variant Classification Scheme 2023. Collection method: clinical testing. Allele origin: germline.

PreventionGenetics, part of Exact Sciences
Classification: Likely benign for TGFBR2-related condition. Last evaluated: 2023-06-13. Review status: no assertion criteria provided. Collection method: clinical testing. Allele origin: germline. Not counted in ClinVar's aggregate classification.
Comment: This variant is classified as likely benign based on ACMG/AMP sequence variant interpretation guidelines (Richards et al. 2015 PMID: 25741868, with internal and published modifications).